The following is an entry in ClinVar:

ClinVar aggregate classification (germline): Uncertain significance (1 of 4 stars; one submission).

Conditions:
RYR1-related disorder. Also called: RYR1-related condition; RYR1-related disorders. Identifiers: MedGen CN239331.

Submission:

Labcorp Genetics (formerly Invitae), Labcorp
Classification: Uncertain significance for RYR1-related disorder. Last evaluated: 2022-07-06. Review status: criteria provided, single submitter. Criteria: Invitae Variant Classification Sherloc (09022015). Collection method: clinical testing. Allele origin: germline.
Comment: In summary, the available evidence is currently insufficient to determine the role of this variant in disease. Therefore, it has been classified as a Variant of Uncertain Significance. Algorithms developed to predict the effect of sequence changes on RNA splicing suggest that this variant may disrupt the consensus splice site. Advanced modeling of protein sequence and biophysical properties (such as structural, functional, and spatial information, amino acid conservation, physicochemical variation, residue mobility, and thermodynamic stability) performed at Invitae indicates that this missense variant is not expected to disrupt RYR1 protein function. ClinVar contains an entry for this variant (Variation ID: 1501289). This variant has not been reported in the literature in individuals affected with RYR1-related conditions. This variant is not present in population databases (gnomAD no frequency). This sequence change replaces arginine, which is basic and polar, with glycine, which is neutral and non-polar, at codon 1994 of the RYR1 protein (p.Arg1994Gly).

NM_000540.3(RYR1):c.5980C>G (p.Arg1994Gly)

Gene: RYR1 (ryanodine receptor 1; plus strand). Cytogenetic location: 19q13.2.
Variant type: single nucleotide variant.
Coding change: c.5980C>G on transcript NM_000540.3 (MANE Select); coding-DNA position 5980, C replaced by G.
Protein change: p.Arg1994Gly; replaces arginine 1994 with glycine.
Molecular consequence: missense variant.
Genome position (GRCh38, 1-based): chr19:38,490,241, C>G. VCF-style: chr19-38490241-C-G. GRCh37 (hg19) VCF-style: chr19-38980881-C-G.
Other names: c.5980C>G, p.Arg1994Gly (NM_001042723.2); short protein forms R1994G.
Identifiers: ClinVar variation 1501289 (VCV001501289.6), dbSNP rs369167120, ClinGen allele CA405660618.